The following is an entry in ClinVar:

ClinVar aggregate classification (germline): Likely benign. Review status: criteria provided, multiple submitters, no conflicts (2 of 4 stars). 2 submissions from 2 submitters: Likely benign (2). Last evaluated 2020-08-10.

Conditions:
ANO5-Related Muscle Diseases. Identifiers: MedGen CN180644.

Allele frequency attached by ClinVar (database versions not stated): gnomAD exomes 0.00065; gnomAD 0.00418 and 0.00442; 1000 Genomes Project 0.00419; 1000 Genomes Project 30x 0.00437; TOPMed 0.00500.
gnomAD v4.1: 1,148 of 933,290 alleles (0.12%); highest among the groups gnomAD compares: African/African-American, 1.5%; 5 homozygotes.

Submissions (2):

GeneDx
Classification: Likely benign. Last evaluated: 2020-08-10. Review status: criteria provided, single submitter. Criteria: GeneDx Variant Classification Process June 2021. Collection method: clinical testing. Allele origin: germline. Affected: yes.

Illumina Laboratory Services, Illumina
Classification: Likely benign for ANO5-Related Muscle Diseases. Last evaluated: 2018-01-12. Review status: criteria provided, single submitter. Criteria: ICSL Variant Classification Criteria 13 December 2019. Collection method: clinical testing. Allele origin: germline.
Comment: This variant was observed in the ICSL laboratory as part of a predisposition screen in an ostensibly healthy population. It had not been previously curated by ICSL or reported in the Human Gene Mutation Database (HGMD: prior to June 1st, 2018), and was therefore a candidate for classification through an automated scoring system. Utilizing variant allele frequency, disease prevalence and penetrance estimates, and inheritance mode, an automated score was calculated to assess if this variant is too frequent to cause the disease. Based on the score and internal cut-off values, a variant classified as likely benign is not then subjected to further curation. The score for this variant resulted in a classification of likely benign for this disease.

NM_213599.3(ANO5):c.*111T>C

Gene: ANO5 (anoctamin 5; plus strand). Cytogenetic location: 11p14.3.
Variant type: single nucleotide variant.
Coding change: c.*111T>C on transcript NM_213599.3 (MANE Select); 111 bases downstream of the stop codon, T replaced by C.
Molecular consequence: 3 prime UTR variant.
Genome position (GRCh38, 1-based): chr11:22,279,876, T>C. VCF-style: chr11-22279876-T-C. GRCh37 (hg19) VCF-style: chr11-22301422-T-C.
Other names: c.*111T>C (NM_001142649.2).
Identifiers: ClinVar variation 878733 (VCV000878733.7), dbSNP rs543256905, ClinGen allele CA218779786.